The following is an entry in ClinVar:

ClinVar aggregate classification (germline): Uncertain significance (1 of 4 stars; one submission).

Conditions:
Baller-Gerold syndrome (BGS). Also called: CRANIOSYNOSTOSIS WITH RADIAL DEFECTS. Identifiers: Orphanet 1225, MedGen C0265308, MONDO:0009039, OMIM 218600.

Allele frequency attached by ClinVar (database versions not stated): gnomAD exomes below 0.00001; ExAC 0.00001.
gnomAD v4.1: 6 of 1,611,464 alleles (0.00037%); highest among the groups gnomAD compares: Admixed American, 0.005%; no homozygotes.

Submission:

Labcorp Genetics (formerly Invitae), Labcorp
Classification: Uncertain significance for Baller-Gerold syndrome. Last evaluated: 2023-11-27. Review status: criteria provided, single submitter. Criteria: Invitae Variant Classification Sherloc (09022015). Collection method: clinical testing. Allele origin: germline.
Comment: This sequence change replaces glutamic acid, which is acidic and polar, with aspartic acid, which is acidic and polar, at codon 1120 of the RECQL4 protein (p.Glu1120Asp). This variant is present in population databases (rs770246912, gnomAD no frequency). This variant has not been reported in the literature in individuals affected with RECQL4-related conditions. ClinVar contains an entry for this variant (Variation ID: 528962). Algorithms developed to predict the effect of missense changes on protein structure and function output the following: SIFT: "Not Available"; PolyPhen-2: "Not Available"; Align-GVGD: "Not Available". The aspartic acid amino acid residue is found in multiple mammalian species, which suggests that this missense change does not adversely affect protein function. In summary, the available evidence is currently insufficient to determine the role of this variant in disease. Therefore, it has been classified as a Variant of Uncertain Significance.

NM_004260.4(RECQL4):c.3360G>C (p.Glu1120Asp)

Gene: RECQL4 (RecQ like helicase 4; minus strand). Cytogenetic location: 8q24.3.
Variant type: single nucleotide variant.
Coding change: c.3360G>C on transcript NM_004260.4 (MANE Select); coding-DNA position 3360, G replaced by C.
Protein change: p.Glu1120Asp; replaces glutamic acid 1120 with aspartic acid.
Molecular consequence: missense variant.
Genome position (GRCh38, 1-based): chr8:144,511,944, C>G on the plus strand (G>C on the coding strand, the complement: RECQL4 is on the minus strand). VCF-style: chr8-144511944-C-G. GRCh37 (hg19) VCF-style: chr8-145737327-C-G.
Other names: short protein forms E1120D.
Identifiers: ClinVar variation 528962 (VCV000528962.5), dbSNP rs770246912, ClinGen allele CA4947804.